The following is an entry in ClinVar:

ClinVar aggregate classification (germline): Benign. Review status: criteria provided, single submitter (1 of 4 stars). 2 submissions from 2 submitters: Benign (1). 1 of the submissions does not count toward it. Last evaluated 2018-07-23.

Conditions:
DISC1-related disorder. Also called: DISC1-related condition.

Allele frequency attached by ClinVar (database versions not stated): gnomAD exomes 0.00033; ExAC 0.00040; gnomAD 0.00111; ESP Exome Variant Server 0.00115; TOPMed 0.00127; 1000 Genomes Project 0.00280; 1000 Genomes Project 30x 0.00281.
gnomAD v4.1: 416 of 1,614,190 alleles (0.026%); highest among the groups gnomAD compares: African/African-American, 0.48%; no homozygotes.

Submissions (2):

Labcorp Genetics (formerly Invitae), Labcorp
Classification: Benign. Last evaluated: 2018-07-23. Review status: criteria provided, single submitter. Criteria: Invitae Variant Classification Sherloc (09022015). Collection method: clinical testing. Allele origin: germline.

PreventionGenetics, part of Exact Sciences
Classification: Likely benign for DISC1-related condition. Last evaluated: 2023-12-21. Review status: no assertion criteria provided. Collection method: clinical testing. Allele origin: germline. Not counted in ClinVar's aggregate classification.
Comment: This variant is classified as likely benign based on ACMG/AMP sequence variant interpretation guidelines (Richards et al. 2015 PMID: 25741868, with internal and published modifications).

NM_018662.3(DISC1):c.1347C>T (p.His449=)

Genes: DISC1 (DISC1 scaffold protein; plus strand), TSNAX-DISC1 (TSNAX-DISC1 readthrough (NMD candidate); plus strand). Cytogenetic location: 1q42.2.
Variant type: single nucleotide variant.
Coding change: c.1347C>T on transcript NM_018662.3 (MANE Select); coding-DNA position 1347, C replaced by T.
Protein change: p.His449=; no amino-acid change (histidine 449 retained).
Molecular consequence: synonymous variant. On other transcripts: non-coding transcript variant (6), intron variant (1).
Genome position (GRCh38, 1-based): chr1:231,767,218, C>T. VCF-style: chr1-231767218-C-T. GRCh37 (hg19) VCF-style: chr1-231902964-C-T.
Other names: c.1347C>T, p.His449= (NM_001012957.2, NM_001012959.2, NM_001164538.2 and 9 more transcripts); c.1443C>T, p.His481= (NM_001164537.2); c.297C>T, p.His99= (NM_001164556.2); c.1268+17142C>T (NM_001164540.2).
Identifiers: ClinVar variation 730531 (VCV000730531.5), dbSNP rs116628628, ClinGen allele CA1453882.